The following is an entry in ClinVar:

NM_182914.3(SYNE2):c.18429C>T (p.Asp6143=)

Gene: SYNE2 (spectrin repeat containing nuclear envelope protein 2; plus strand). Cytogenetic location: 14q23.2.
Variant type: single nucleotide variant.
Coding change: c.18429C>T on transcript NM_182914.3 (MANE Select); coding-DNA position 18429, C replaced by T.
Protein change: p.Asp6143=; no amino-acid change (aspartic acid 6143 retained).
Molecular consequence: synonymous variant.
Genome position (GRCh38, 1-based): chr14:64,209,467, C>T. VCF-style: chr14-64209467-C-T. GRCh37 (hg19) VCF-style: chr14-64676185-C-T.
Other names: c.18429C>T, p.Asp6143= (NM_015180.6).
Identifiers: ClinVar variation 313641 (VCV000313641.15), dbSNP rs559412468, ClinGen allele CA7224090.

ClinVar aggregate classification (germline): Benign/Likely benign. Review status: criteria provided, multiple submitters, no conflicts (2 of 4 stars). 2 submissions from 2 submitters: Benign (1); Likely benign (1). Last evaluated 2025-04-07.

Conditions:
Emery-Dreifuss muscular dystrophy 5, autosomal dominant (EDMD5). Also called: EMERY-DREIFUSS MUSCULAR DYSTROPHY 5. Identifiers: Orphanet 261, MedGen C2751805, MONDO:0013072, OMIM 612999.

Allele frequency attached by ClinVar (database versions not stated): gnomAD 0.00009 and 0.00010; gnomAD exomes 0.00011 and 0.00016; ExAC 0.00012; TOPMed 0.00017.
gnomAD v4.1: 167 of 1,614,214 alleles (0.01%); highest among the groups gnomAD compares: Admixed American, 0.035%; no homozygotes.

Submissions (2):

Labcorp Genetics (formerly Invitae), Labcorp
Classification: Likely benign for Emery-Dreifuss muscular dystrophy 5, autosomal dominant. Last evaluated: 2025-04-07. Review status: criteria provided, single submitter. Criteria: Invitae Variant Classification Sherloc (09022015). Collection method: clinical testing. Allele origin: germline.

Illumina Laboratory Services, Illumina
Classification: Benign for Emery-Dreifuss muscular dystrophy 5, autosomal dominant. Last evaluated: 2018-01-12. Review status: criteria provided, single submitter. Criteria: ICSL Variant Classification Criteria 13 December 2019. Collection method: clinical testing. Allele origin: germline.
Comment: This variant was observed in the ICSL laboratory as part of a predisposition screen in an ostensibly healthy population. It had not been previously curated by ICSL or reported in the Human Gene Mutation Database (HGMD: prior to June 1st, 2018), and was therefore a candidate for classification through an automated scoring system. Utilizing variant allele frequency, disease prevalence and penetrance estimates, and inheritance mode, an automated score was calculated to assess if this variant is too frequent to cause the disease. Based on the score and internal cut-off values, a variant classified as benign is not then subjected to further curation. The score for this variant resulted in a classification of benign for this disease.